The following is an entry in ClinVar:

NM_005476.7(GNE):c.1990C>G (p.Leu664Val)

Gene: GNE (glucosamine (UDP-N-acetyl)-2-epimerase/N-acetylmannosamine kinase; minus strand). Cytogenetic location: 9p13.3.
Variant type: single nucleotide variant.
Coding change: c.1990C>G on transcript NM_005476.7 (MANE Select); coding-DNA position 1990, C replaced by G.
Protein change: p.Leu664Val; replaces leucine 664 with valine.
Molecular consequence: missense variant.
Genome position (GRCh38, 1-based): chr9:36,217,544, G>C on the plus strand (C>G on the coding strand, the complement: GNE is on the minus strand). VCF-style: chr9-36217544-G-C. GRCh37 (hg19) VCF-style: chr9-36217541-G-C.
Other names: c.2083C>G, p.Leu695Val (NM_001128227.3); c.1768C>G, p.Leu590Val (NM_001190383.3); c.1660C>G, p.Leu554Val (NM_001190384.3); c.1813C>G, p.Leu605Val (NM_001190388.2, NM_001374798.1); c.1837C>G, p.Leu613Val (NM_001374797.1); short protein forms L554V, L590V, L605V, L613V, L664V, L695V.
Identifiers: ClinVar variation 3368222 (VCV003368222.1).

ClinVar aggregate classification (germline): Uncertain significance (1 of 4 stars; one submission).

Submission:

GeneDx
Classification: Uncertain significance. Last evaluated: 2024-01-26. Review status: criteria provided, single submitter. Criteria: GeneDx Variant Classification Process June 2021. Collection method: clinical testing. Allele origin: germline. Affected: yes.
Comment: Not observed at significant frequency in large population cohorts (gnomAD); In silico analysis supports that this missense variant does not alter protein structure/function; Has not been previously published as pathogenic or benign to our knowledge; Variant is located within ManNAc kinase Domain (PMID: 24796702); This variant is associated with the following publications: (PMID: 24796702)